The following is an entry in ClinVar:

ClinVar aggregate classification (germline): Pathogenic. Review status: reviewed by expert panel (3 of 4 stars). 2 submissions from 2 submitters: Pathogenic (1). 1 of the submissions does not count toward it. Last evaluated 2017-12-15.

Conditions:
Breast-ovarian cancer, familial, susceptibility to, 1 (BROVCA1). Also called: BRCA1 Hereditary Breast and Ovarian Cancer; OVARIAN CANCER, SUSCEPTIBILITY TO. Identifiers: Orphanet 145, MedGen C2676676, MONDO:0011450, OMIM 604370. Disease mechanism: loss of function.
Hereditary breast ovarian cancer syndrome. Also called: Hereditary breast and ovarian cancer syndrome; Breast and ovarian cancer; Hereditary breast and ovarian cancer syndrome (HBOC); Hereditary breast and/or ovarian cancer syndrome; BRCA1- and BRCA2-Associated Hereditary Breast and Ovarian Cancer; Hereditary breast and ovarian cancer. Identifiers: Orphanet 145, MedGen C0677776, MeSH D061325, MONDO:0003582. Disease mechanism: loss of function.

Submissions (2):

Evidence-based Network for the Interpretation of Germline Mutant Alleles (ENIGMA)
Classification: Pathogenic for Breast-ovarian cancer, familial, susceptibility to, 1. Last evaluated: 2017-12-15. Review status: reviewed by expert panel. Criteria: ENIGMA BRCA1/2 Classification Criteria (2017-06-29). Collection method: curation. Allele origin: germline. Study: ENIGMA.
Comment: Variant allele predicted to encode a truncated non-functional protein.

Labcorp Genetics (formerly Invitae), Labcorp
Classification: Pathogenic for Hereditary breast ovarian cancer syndrome. Last evaluated: 2016-12-26. Review status: criteria provided, single submitter. Criteria: Invitae Variant Classification Sherloc (09022015). Collection method: clinical testing. Allele origin: germline. Not counted in ClinVar's aggregate classification.
Comment: This sequence change deletes 1 nucleotide from exon 7 of the BRCA1 mRNA (c.445delG), causing a frameshift at codon 149. This creates a premature translational stop signal (p.Glu149Lysfs*14) and is expected to result in an absent or disrupted protein product. While this particular variant has not been reported in the literature, loss-of-function variants in BRCA1 are known to be pathogenic (PMID: 20104584). For these reasons, this variant has been classified as Pathogenic.

Literature cited by the submitters: PubMed 20104584 (cited by Labcorp Genetics (formerly Invitae), Labcorp).

NM_007294.4(BRCA1):c.445del (p.Glu149fs)

Gene: BRCA1 (BRCA1 DNA repair associated; minus strand). Cytogenetic location: 17q21.31.
Variant type: Deletion.
Coding change: c.445del on transcript NM_007294.4 (MANE Select); coding-DNA position 445, one base deleted (G; older notation c.445delG).
Protein change: p.Glu149fs; shifts the reading frame from glutamic acid 149.
Molecular consequence: frameshift variant.
Genome position (GRCh38, 1-based): chr17:43,099,877, C deleted on the plus strand (G on the coding strand, the reverse complement: BRCA1 is on the minus strand); the first of 2 consecutive C bases (chr17:43,099,877-43,099,878); deleting either gives the same sequence. VCF-style (leftmost placement, unchanged base first): chr17-43099876-TC-T. GRCh37 (hg19) VCF-style: chr17-41251893-TC-T.
Other names: c.445delG (NM_007294.3); c.303delG, p.Glu102Lysfs (NM_001408496.1, NM_001408497.1, NM_001408498.1 and 60 more transcripts); c.234delG, p.Glu79Lysfs (NM_001408502.1, NM_001408506.1, NM_001408507.1 and 37 more transcripts); c.63delG, p.Glu22Lysfs (NM_001408510.1, NM_001408512.1, NM_001407959.1 and 3 more transcripts); c.304del, p.Glu102fs (NM_007297.4); c.444delG, p.Glu149Lysfs (NM_007298.4, NM_007304.2, NM_001407581.1 and 95 more transcripts); c.445del, p.Glu149fs (NM_007299.4, NM_007300.4); c.435delG, p.Glu146Lysfs (NM_001407646.1, NM_001407647.1, NM_001408408.1); and 1 more; short protein forms E149fs, E102fs.
Identifiers: ClinVar variation 409302 (VCV000409302.10), dbSNP rs1060502327, ClinGen allele CA16615436.